The following is an entry in ClinVar:

NM_000548.5(TSC2):c.3943C>G (p.Pro1315Ala)

Gene: TSC2 (TSC complex subunit 2; plus strand). Cytogenetic location: 16p13.3.
Variant type: single nucleotide variant.
Coding change: c.3943C>G on transcript NM_000548.5 (MANE Select); coding-DNA position 3943, C replaced by G.
Protein change: p.Pro1315Ala; replaces proline 1315 with alanine.
Molecular consequence: missense variant.
Genome position (GRCh38, 1-based): chr16:2,083,754, C>G. VCF-style: chr16-2083754-C-G. GRCh37 (hg19) VCF-style: chr16-2133755-C-G.
Other names: c.3742C>G, p.Pro1248Ala (NM_001077183.3); c.3874C>G, p.Pro1292Ala (NM_001114382.3); c.3634C>G, p.Pro1212Ala (NM_001318827.2); c.3598C>G, p.Pro1200Ala (NM_001318829.2); c.3211C>G, p.Pro1071Ala (NM_001318831.2); c.3775C>G, p.Pro1259Ala (NM_001318832.2); c.3745C>G, p.Pro1249Ala (NM_001363528.2); c.3811C>G, p.Pro1271Ala (NM_001370404.1); and 1 more; short protein forms P1315A, P1200A, P1272A, P1071A, P1259A, P1212A, P1248A, P1249A.
Identifiers: ClinVar variation 64892 (VCV000064892.7), dbSNP rs397514916, ClinGen allele CA019717.

ClinVar aggregate classification (germline): Uncertain significance. Review status: criteria provided, single submitter (1 of 4 stars). 2 submissions from 2 submitters: Uncertain significance (1). 1 of the submissions does not count toward it. Last evaluated 2024-10-03.

Conditions:
Tuberous sclerosis 2 (TSC2). Identifiers: Orphanet 805, MedGen C1860707, MONDO:0013199, OMIM 613254.
Tuberous sclerosis syndrome (TSC). Also called: Tuberous Sclerosis Complex; Tuberous sclerosis. Identifiers: Orphanet 805, MedGen C0041341, MONDO:0001734.

Submissions (2):

Labcorp Genetics (formerly Invitae), Labcorp
Classification: Uncertain significance for Tuberous sclerosis 2. Last evaluated: 2024-10-03. Review status: criteria provided, single submitter. Criteria: Invitae Variant Classification Sherloc (09022015). Collection method: clinical testing. Allele origin: germline.
Comment: This sequence change replaces proline, which is neutral and non-polar, with alanine, which is neutral and non-polar, at codon 1315 of the TSC2 protein (p.Pro1315Ala). This variant is not present in population databases (gnomAD no frequency). This missense change has been observed in individual(s) with clinical features of TSC2-related conditions (PMID: 21520333). ClinVar contains an entry for this variant (Variation ID: 64892). Invitae Evidence Modeling of protein sequence and biophysical properties (such as structural, functional, and spatial information, amino acid conservation, physicochemical variation, residue mobility, and thermodynamic stability) indicates that this missense variant is not expected to disrupt TSC2 protein function with a negative predictive value of 95%. Experimental studies have shown that this missense change does not substantially affect TSC2 function (PMID: 18854862, 21309039). In summary, the available evidence is currently insufficient to determine the role of this variant in disease. Therefore, it has been classified as a Variant of Uncertain Significance.

Tuberous sclerosis database (TSC2)
No classification provided. Condition: TSC. Review status: no classification provided. Criteria: Tuberous Sclerosis Database Assertion Criteria 2015. Collection method: curation. Allele origin: germline. Affected: yes. Not counted in ClinVar's aggregate classification.

Literature cited by the submitters: PubMed 21520333 (cited by Labcorp Genetics (formerly Invitae), Labcorp); PubMed 18854862 (cited by Labcorp Genetics (formerly Invitae), Labcorp); PubMed 21309039 (cited by Labcorp Genetics (formerly Invitae), Labcorp).